The following is an entry in ClinVar:

NM_000069.3(CACNA1S):c.1920C>A (p.Tyr640Ter)

Gene: CACNA1S (calcium voltage-gated channel subunit alpha1 S; minus strand). Cytogenetic location: 1q32.1.
Variant type: single nucleotide variant.
Coding change: c.1920C>A on transcript NM_000069.3 (MANE Select); coding-DNA position 1920, C replaced by A.
Protein change: p.Tyr640Ter; replaces tyrosine 640 with a stop codon.
Molecular consequence: nonsense.
Genome position (GRCh38, 1-based): chr1:201,075,523, G>T on the plus strand (C>A on the coding strand, the complement: CACNA1S is on the minus strand). VCF-style: chr1-201075523-G-T. GRCh37 (hg19) VCF-style: chr1-201044651-G-T.
Other names: short protein forms Y640*.
Identifiers: ClinVar variation 4756757 (VCV004756757.1).

ClinVar aggregate classification (germline): Uncertain significance (1 of 4 stars; one submission).

Conditions:
Malignant hyperthermia, susceptibility to, 5 (MHS5). Also called: CACNA1S-Related Malignant Hyperthermia Susceptibility. Identifiers: Orphanet 423, MedGen C1866077, MONDO:0011163, OMIM 601887.

Submission:

Color Diagnostics, LLC DBA Color Health
Classification: Uncertain significance for Malignant hyperthermia, susceptibility to, 5. Last evaluated: 2025-06-03. Review status: criteria provided, single submitter. Criteria: ACMG Guidelines, 2015. Collection method: clinical testing. Allele origin: germline.
Comment: This variant changes 1 nucleotide in exon 13 of the CACNA1S gene, creating a premature translation stop signal. This variant is expected to result in an absent or non-functional protein product. To our knowledge, this variant has not been reported in individuals affected with CACNA1S-related disorders in the literature. This variant has not been identified in the general population by the Genome Aggregation Database (gnomAD). Loss of CACNA1S function due to truncation variants is not an established disease mechanism for autosomal dominant malignant hyperthermia, although it is associated with other phenotype(s) (ClinVar). Due to insufficient evidence, this variant is classified as a Variant of Uncertain Significance for autosomal dominant malignant hyperthermia.